The following is an entry in ClinVar:

NM_020937.4(FANCM):c.2432C>A (p.Thr811Asn)

Gene: FANCM (FA complementation group M; plus strand). Cytogenetic location: 14q21.2.
Variant type: single nucleotide variant.
Coding change: c.2432C>A on transcript NM_020937.4 (MANE Select); coding-DNA position 2432, C replaced by A.
Protein change: p.Thr811Asn; replaces threonine 811 with asparagine.
Molecular consequence: missense variant.
Genome position (GRCh38, 1-based): chr14:45,175,186, C>A. VCF-style: chr14-45175186-C-A. GRCh37 (hg19) VCF-style: chr14-45644389-C-A.
Other names: c.2354C>A, p.Thr785Asn (NM_001308133.2); short protein forms T785N, T811N.
Identifiers: ClinVar variation 3776732 (VCV003776732.2).
Genomic context (GRCh38, chr14:45,175,186, plus strand): 5'-CCTCAACATTTATTGCTCCCAGGAATGAATCTAATAATCTTGCCAGTGACACCTTTATCA[C>A]TCACAAGAAATCGTCATTTATAAAGAACATAAATCAAGGCAGTTCATCCTCAGTGATAGA-3'
Protein context (NP_065988.1, residues 801-821): SNNLASDTFI[Thr811Asn]HKKSSFIKNI

ClinVar aggregate classification (germline): Uncertain significance. Review status: criteria provided, multiple submitters, no conflicts (2 of 4 stars). 2 submissions from 2 submitters: Uncertain significance (2). Last evaluated 2025-11-23.

Conditions:
Inborn genetic diseases. Identifiers: MedGen C0950123, MeSH D030342.

gnomAD v4.1: 5 of 1,610,640 alleles (0.00031%); highest among the groups gnomAD compares: African/African-American, 0.0067%; no homozygotes.

Submissions (2):

Ambry Genetics
Classification: Uncertain significance for Inborn genetic diseases. Last evaluated: 2025-11-23. Review status: criteria provided, single submitter. Criteria: Ambry Variant Classification Scheme 2023. Collection method: clinical testing. Allele origin: germline.
Comment: The p.T811N variant (also known as c.2432C>A), located in coding exon 14 of the FANCM gene, results from a C to A substitution at nucleotide position 2432. The threonine at codon 811 is replaced by asparagine, an amino acid with similar properties. This amino acid position is conserved. In addition, this alteration is predicted to be tolerated by in silico analysis. Based on the available evidence, the clinical significance of this variant remains unclear.

GeneDx
Classification: Uncertain significance. Last evaluated: 2024-10-07. Review status: criteria provided, single submitter. Criteria: GeneDx Variant Classification Process June 2021. Collection method: clinical testing. Allele origin: germline. Affected: yes.
Comment: Not observed at significant frequency in large population cohorts (gnomAD); In silico analysis indicates that this missense variant does not alter protein structure/function; Has not been previously published as pathogenic or benign to our knowledge